The following is an entry in ClinVar:

ClinVar aggregate classification (germline): Uncertain significance (1 of 4 stars; one submission).

Submission:

Labcorp Genetics (formerly Invitae), Labcorp
Classification: Uncertain significance. Last evaluated: 2025-12-10. Review status: criteria provided, single submitter. Criteria: Invitae Variant Classification Sherloc (09022015). Collection method: clinical testing. Allele origin: germline.
Comment: This sequence change falls in intron 1 of the TIMM8A gene. It does not directly change the encoded amino acid sequence of the TIMM8A protein. It affects a nucleotide within the consensus splice site. This variant is not present in population databases (gnomAD no frequency). This variant has not been reported in the literature in individuals affected with TIMM8A-related conditions. Variants that disrupt the consensus splice site are a relatively common cause of aberrant splicing (PMID: 17576681, 9536098). Algorithms developed to predict the effect of sequence changes on RNA splicing suggest that this variant may disrupt the consensus splice site. In summary, the available evidence is currently insufficient to determine the role of this variant in disease. Therefore, it has been classified as a Variant of Uncertain Significance.

Literature cited by the submitters: PubMed 17576681; PubMed 9536098.

NM_004085.4(TIMM8A):c.132+5G>A

Gene: TIMM8A (translocase of inner mitochondrial membrane 8A; minus strand). Cytogenetic location: Xq22.1.
Variant type: single nucleotide variant.
Coding change: c.132+5G>A on transcript NM_004085.4 (MANE Select); 5 bases into the intron after coding-DNA position 132, G replaced by A.
Molecular consequence: intron variant.
Genome position (GRCh38, 1-based): chrX:101,348,528, C>T on the plus strand (G>A on the coding strand, the complement: TIMM8A is on the minus strand). VCF-style: chrX-101348528-C-T. GRCh37 (hg19) VCF-style: chrX-100603516-C-T.
Other names: c.132+5G>A (NM_001145951.2).
Identifiers: ClinVar variation 4732338 (VCV004732338.1).
Genomic context (GRCh38, chrX:101,348,528, plus strand): 5'-TCCCGCGGTACAAGGACAGAGGGAAAGTAGGTACAGTGTTCAGGTCCCAGCCCCAGGCTC[C>T]TCACCCAACAAAGTTCAGTCATCTGGTGCACCAGCTGCTGGAAGCGCTGCTTTTGAGTCT-3'